The following is an entry in ClinVar:

NM_022124.6(CDH23):c.4463A>G (p.Glu1488Gly)

Gene: CDH23 (cadherin related 23; plus strand). Cytogenetic location: 10q22.1.
Variant type: single nucleotide variant.
Coding change: c.4463A>G on transcript NM_022124.6 (MANE Select); coding-DNA position 4463, A replaced by G.
Protein change: p.Glu1488Gly; replaces glutamic acid 1488 with glycine.
Molecular consequence: missense variant.
Genome position (GRCh38, 1-based): chr10:71,739,747, A>G. VCF-style: chr10-71739747-A-G. GRCh37 (hg19) VCF-style: chr10-73499504-A-G.
Other names: short protein forms E1488G.
Identifiers: ClinVar variation 3572515 (VCV003572515.1).
Genomic context (GRCh38, chr10:71,739,747, plus strand): 5'-AGATCGTCACCACCAATGACTCCATTGGCGAAGTGTTTGTGGCCAGGCCCCTGGACAGAG[A>G]AGAGCTGGATCACTACATCCTCCAGGTGGGGCCTGGCCTCCCTTGGACTGAGAGACCACT-3'
Protein context (NP_071407.4, residues 1478-1498): EVFVARPLDR[Glu1488Gly]ELDHYILQVV

ClinVar aggregate classification (germline): Uncertain significance (1 of 4 stars; one submission).

Submission:

GeneDx
Classification: Uncertain significance. Last evaluated: 2024-07-09. Review status: criteria provided, single submitter. Criteria: GeneDx Variant Classification Process June 2021. Collection method: clinical testing. Allele origin: germline. Affected: yes.
Comment: Not observed at significant frequency in large population cohorts (gnomAD); In silico analysis supports that this missense variant has a deleterious effect on protein structure/function; This variant is associated with the following publications: (PMID: 35020051)